The following is an entry in ClinVar:

ClinVar aggregate classification (germline): Uncertain significance (1 of 4 stars; one submission).

Conditions:
Hereditary cancer-predisposing syndrome. Also called: Neoplastic Syndromes, Hereditary; Tumor predisposition; Hereditary Cancer Syndrome; Hereditary neoplastic syndrome. Identifiers: Orphanet 140162, MedGen C0027672, MeSH D009386, MONDO:0015356.

Submission:

Color Diagnostics, LLC DBA Color Health
Classification: Uncertain significance for Hereditary cancer-predisposing syndrome. Last evaluated: 2023-12-05. Review status: criteria provided, single submitter. Criteria: ACMG Guidelines, 2015. Collection method: clinical testing. Allele origin: germline.
Comment: This missense variant replaces glycine with valine at codon 682 of the APC protein. Computational prediction suggests that this variant may have deleterious impact on protein structure and function (internally defined REVEL score threshold >= 0.7, PMID: 27666373). To our knowledge, functional studies have not been reported for this variant. This variant has not been reported in individuals affected with APC-related disorders in the literature. This variant has not been identified in the general population by the Genome Aggregation Database (gnomAD). The available evidence is insufficient to determine the role of this variant in disease conclusively. Therefore, this variant is classified as a Variant of Uncertain Significance.

NM_000038.6(APC):c.2045G>T (p.Gly682Val)

Gene: APC (APC regulator of Wnt signaling pathway; plus strand). Cytogenetic location: 5q22.2.
Variant type: single nucleotide variant.
Coding change: c.2045G>T on transcript NM_000038.6 (MANE Select); coding-DNA position 2045, G replaced by T.
Protein change: p.Gly682Val; replaces glycine 682 with valine.
Molecular consequence: missense variant.
Genome position (GRCh38, 1-based): chr5:112,837,639, G>T. VCF-style: chr5-112837639-G-T. GRCh37 (hg19) VCF-style: chr5-112173336-G-T.
Other names: c.1970G>T, p.Gly657Val (NM_001354898.2); c.1922G>T, p.Gly641Val (NM_001354900.2); c.1868G>T, p.Gly623Val (NM_001354901.2); c.1772G>T, p.Gly591Val (NM_001354902.2); c.1667G>T, p.Gly556Val (NM_001354904.2); c.1565G>T, p.Gly522Val (NM_001354905.2); c.1961G>T, p.Gly654Val (NM_001354899.2); c.1742G>T, p.Gly581Val (NM_001354903.2); and 5 more; short protein forms G623V, G657V, G664V, G399V, G522V, G591V, G692V, G556V.
Identifiers: ClinVar variation 920446 (VCV000920446.4), dbSNP rs1765097197, ClinGen allele CA16025795.